The following is an entry in ClinVar:

ClinVar aggregate classification (germline): Uncertain significance. Review status: criteria provided, multiple submitters, no conflicts (2 of 4 stars). 6 submissions from 6 submitters: Uncertain significance (6). Last evaluated 2025-12-01.

Conditions:
Cardiovascular phenotype. Identifiers: MedGen CN230736.
Cardiomyopathy (CMYO). Also called: Cardiomyopathies. Identifiers: Orphanet 167848, MedGen C0878544, MONDO:0004994, HP:0001638. Inheritance: Various modes of inheritance.
Arrhythmogenic right ventricular cardiomyopathy (ARVD). Also called: Arrhythmogenic right ventricular dysplasia; Arrhythmogenic cardiomyopathy; Arrhythmogenic Right Ventricular Cardiomyopathy (ARVC); Cardiomyopathy, ARVC. Identifiers: Orphanet 247, MedGen C0349788, MeSH D019571, MONDO:0016587. Disease mechanism: loss of function. Inheritance: Various modes of inheritance.
Arrhythmogenic right ventricular dysplasia 9 (ARVD9). Also called: ARRHYTHMOGENIC RIGHT VENTRICULAR DYSPLASIA, FAMILIAL, 9; Arrhythmogenic Right Ventricular Dysplasia/Cardiomyopathy 9. Identifiers: MedGen C1836906, MONDO:0012180, OMIM 609040.

Allele frequency attached by ClinVar (database versions not stated): TOPMed below 0.00001; gnomAD exomes 0.00001 and 0.00003; ExAC 0.00002.
gnomAD v4.1: 40 of 1,614,018 alleles (0.0025%); highest among the groups gnomAD compares: Non-Finnish European, 0.0033%; no homozygotes.

Submissions (6):

Labcorp Genetics (formerly Invitae), Labcorp
Classification: Uncertain significance for Arrhythmogenic right ventricular dysplasia 9. Last evaluated: 2025-12-01. Review status: criteria provided, single submitter. Criteria: Invitae Variant Classification Sherloc (09022015). Collection method: clinical testing. Allele origin: germline.
Comment: This sequence change replaces isoleucine, which is neutral and non-polar, with threonine, which is neutral and polar, at codon 630 of the PKP2 protein (p.Ile630Thr). This variant is present in population databases (rs397517011, gnomAD 0.003%). This missense change has been observed in individual(s) with dilated cardiomyopathy (PMID: 24503780, 27532257). ClinVar contains an entry for this variant (Variation ID: 45048). An algorithm developed to predict the effect of missense changes on protein structure and function (PolyPhen-2) suggests that this variant is likely to be tolerated. In summary, the available evidence is currently insufficient to determine the role of this variant in disease. Therefore, it has been classified as a Variant of Uncertain Significance.

Color Diagnostics, LLC DBA Color Health
Classification: Uncertain significance for Cardiomyopathy. Last evaluated: 2025-06-24. Review status: criteria provided, single submitter. Criteria: ACMG Guidelines, 2015. Collection method: clinical testing. Allele origin: germline.
Comment: This missense variant replaces isoleucine with threonine at codon 630 of the PKP2 protein. Computational prediction suggests that this variant may not impact protein structure and function. To our knowledge, functional studies have not been reported for this variant. This variant has been reported in an individual affected with dilated cardiomyopathy (PMID: 24503780, 27532257). This variant has been identified in 3/251296 chromosomes in the general population by the Genome Aggregation Database (gnomAD). The available evidence is insufficient to determine the role of this variant in disease conclusively. Therefore, this variant is classified as a Variant of Uncertain Significance.

All of Us Research Program, National Institutes of Health
Classification: Uncertain significance for Arrhythmogenic right ventricular cardiomyopathy. Last evaluated: 2024-09-23. Review status: criteria provided, single submitter. Criteria: ACMG Guidelines, 2015. Collection method: clinical testing. Allele origin: germline. Inheritance: Autosomal dominant inheritance. Observed: 7 variant alleles, 7 heterozygotes.
Comment: This missense variant replaces isoleucine with threonine at codon 630 of the PKP2 protein. Computational prediction suggests that this variant may not impact protein structure and function (internally defined REVEL score threshold <= 0.5, PMID: 27666373). To our knowledge, functional studies have not been reported for this variant. This variant has been reported in an individual affected with dilated cardiomyopathy (PMID: 24503780, 27532257). This variant has been identified in 3/251296 chromosomes in the general population by the Genome Aggregation Database (gnomAD). The available evidence is insufficient to determine the role of this variant in disease conclusively. Therefore, this variant is classified as a Variant of Uncertain Significance.

This study involves interpretation of variants in research participants for the purpose of population health screening. Participant phenotype was not available at the time of variant classification. Additional details can be found in publication PMID: 35346344, PMCID: PMC8962531

Mayo Clinic Laboratories, Mayo Clinic
Classification: Uncertain significance. Last evaluated: 2021-11-17. Review status: criteria provided, single submitter. Criteria: ACMG Guidelines, 2015. Collection method: clinical testing. Allele origin: germline.

Ambry Genetics
Classification: Uncertain significance for Cardiovascular phenotype. Last evaluated: 2019-12-05. Review status: criteria provided, single submitter. Criteria: Ambry Variant Classification Scheme 2023. Collection method: clinical testing. Allele origin: germline.

Laboratory for Molecular Medicine, Mass General Brigham Personalized Medicine
Classification: Uncertain significance. Last evaluated: 2011-03-15. Review status: criteria provided, single submitter. Criteria: LMM Criteria. Collection method: clinical testing. Allele origin: germline. Observed: 1 variant allele.
Comment: Variant classified as Uncertain Significance - Favor Benign. The Ile630Thr varia nt has not been reported in the literature. (Isoleucine (Ile) at position 630 is incompletely conserved in evolution (of the available species , opossum and zebrafish carry a different amino acid), raising the possibility t hat a change may be tolerated. In addition, 3 out of 4 computational tools (Alig n GVGD, SIFT, MAPP) predict the change to be tolerated (Polyphen2 predicts a pos sibly damaging effect). Finally, missense variants constitute the minority of va riants detected in ARVC patients (23% in our laboratory) and their clinical sign ificance has been questioned by some (Christensen 2009). In summary, additional studies are needed to determine the clinical significance of this variant.

Literature cited by the submitters: PubMed 24503780 (cited by 3 submitters); PubMed 27532257 (cited by 3 submitters).

NM_001005242.3(PKP2):c.1757T>C (p.Ile586Thr)

Gene: PKP2 (plakophilin 2; minus strand). Cytogenetic location: 12p11.21.
Variant type: single nucleotide variant.
Coding change: c.1757T>C on transcript NM_001005242.3 (MANE Select); coding-DNA position 1757, T replaced by C.
Protein change: p.Ile586Thr; replaces isoleucine 586 with threonine.
Molecular consequence: missense variant.
Genome position (GRCh38, 1-based): chr12:32,822,549, A>G on the plus strand (T>C on the coding strand, the complement: PKP2 is on the minus strand). VCF-style: chr12-32822549-A-G. GRCh37 (hg19) VCF-style: chr12-32975483-A-G.
Other names: c.1889T>C, p.Ile630Thr (NM_004572.4); short protein forms I630T, I586T.
Identifiers: ClinVar variation 45048 (VCV000045048.24), dbSNP rs397517011, ClinGen allele CA011548.